The following is an entry in ClinVar:

NM_004795.4(KL):c.537G>C (p.Arg179=)

Gene: KL (klotho; plus strand). Cytogenetic location: 13q13.1.
Variant type: single nucleotide variant.
Coding change: c.537G>C on transcript NM_004795.4 (MANE Select); coding-DNA position 537, G replaced by C.
Protein change: p.Arg179=; no amino-acid change (arginine 179 retained).
Molecular consequence: synonymous variant.
Genome position (GRCh38, 1-based): chr13:33,016,977, G>C. VCF-style: chr13-33016977-G-C. GRCh37 (hg19) VCF-style: chr13-33591115-G-C.
Other names: c.537G>C (NM_004795.3).
Identifiers: ClinVar variation 1556653 (VCV001556653.11), dbSNP rs769292412, ClinGen allele CA6943912.

ClinVar aggregate classification (germline): Benign/Likely benign. Review status: criteria provided, multiple submitters, no conflicts (2 of 4 stars). 3 submissions from 3 submitters: Benign (1); Likely benign (1). 1 of the submissions does not count toward it. Last evaluated 2025-08-07.

Conditions:
KL-related disorder. Also called: KL-related condition.
Tumoral calcinosis, hyperphosphatemic, familial, 3. Identifiers: MedGen C4693864, MONDO:0060715, OMIM 617994.

Allele frequency attached by ClinVar (database versions not stated): TOPMed 0.00019; gnomAD exomes 0.00023 and 0.00060; ExAC 0.00058.
gnomAD v4.1: 151 of 1,595,078 alleles (0.0095%); highest among the groups gnomAD compares: Admixed American, 0.26%; 1 homozygote.

Submissions (3):

Labcorp Genetics (formerly Invitae), Labcorp
Classification: Benign. Last evaluated: 2025-08-07. Review status: criteria provided, single submitter. Criteria: Invitae Variant Classification Sherloc (09022015). Collection method: clinical testing. Allele origin: germline.

Fulgent Genetics
Classification: Likely benign for Tumoral calcinosis, hyperphosphatemic, familial, 3. Last evaluated: 2021-11-05. Review status: criteria provided, single submitter. Criteria: ACMG Guidelines, 2015. Collection method: clinical testing. Allele origin: unknown.

PreventionGenetics, part of Exact Sciences
Classification: Likely benign for KL-related condition. Last evaluated: 2020-01-31. Review status: no assertion criteria provided. Collection method: clinical testing. Allele origin: germline. Not counted in ClinVar's aggregate classification.
Comment: This variant is classified as likely benign based on ACMG/AMP sequence variant interpretation guidelines (Richards et al. 2015 PMID: 25741868, with internal and published modifications).